The following is an entry in ClinVar:

ClinVar aggregate classification (germline): Uncertain significance (1 of 4 stars; one submission).

Conditions:
Loeys-Dietz syndrome 2 (LDS2). Also called: AORTIC ANEURYSM, FAMILIAL THORACIC 3; MARFAN SYNDROME, TYPE II; Marfan syndrome, type 2 (formerly); TGFBR2-Related Loeys-Dietz Syndrome; Marfan Syndrome type 2; Marfan like connective tissue disorder. Identifiers: Orphanet 284973, Orphanet 558, MedGen C2674574, MONDO:0012427, OMIM 610168.

Submission:

Labcorp Genetics (formerly Invitae), Labcorp
Classification: Uncertain significance for Loeys-Dietz syndrome 2. Last evaluated: 2018-10-25. Review status: criteria provided, single submitter. Criteria: Invitae Variant Classification Sherloc (09022015). Collection method: clinical testing. Allele origin: germline.
Comment: This sequence change replaces serine with arginine at codon 301 of the TMPO protein (p.Ser301Arg). The serine residue is weakly conserved and there is a moderate physicochemical difference between serine and arginine. This variant is not present in population databases (ExAC no frequency). This variant has not been reported in the literature in individuals with TMPO-related disease. Algorithms developed to predict the effect of missense changes on protein structure and function are either unavailable or do not agree on the potential impact of this missense change (SIFT: "Deleterious"; PolyPhen-2: "Benign"; Align-GVGD: "Class C0"). In summary, the available evidence is currently insufficient to determine the role of this variant in disease. Therefore, it has been classified as a Variant of Uncertain Significance.

NM_001032283.3(TMPO):c.565+1320A>C

Gene: TMPO (thymopoietin; plus strand). Cytogenetic location: 12q23.1.
Variant type: single nucleotide variant.
Coding change: c.565+1320A>C on transcript NM_001032283.3 (MANE Select); 1320 bases into the intron after coding-DNA position 565, A replaced by C.
Molecular consequence: intron variant. On other transcripts: missense variant (1).
Genome position (GRCh38, 1-based): chr12:98,533,158, A>C. VCF-style: chr12-98533158-A-C. GRCh37 (hg19) VCF-style: chr12-98926936-A-C.
Other names: c.901A>C, p.Ser301Arg (NM_003276.2); c.565+1320A>C (NM_001307975.2, NM_001032284.3); short protein forms S301R.
Identifiers: ClinVar variation 649916 (VCV000649916.9), dbSNP rs747613142, ClinGen allele CA386152053.